The following is an entry in ClinVar:

NM_006767.4(LZTR1):c.189C>T (p.Phe63=)

Gene: LZTR1 (leucine zipper like post translational regulator 1; plus strand). Cytogenetic location: 22q11.21.
Variant type: single nucleotide variant.
Coding change: c.189C>T on transcript NM_006767.4 (MANE Select); coding-DNA position 189, C replaced by T.
Protein change: p.Phe63=; no amino-acid change (phenylalanine 63 retained).
Molecular consequence: synonymous variant.
Genome position (GRCh38, 1-based): chr22:20,982,560, C>T. VCF-style: chr22-20982560-C-T. GRCh37 (hg19) VCF-style: chr22-21336849-C-T.
Identifiers: ClinVar variation 3541569 (VCV003541569.1).

ClinVar aggregate classification (germline): Uncertain significance (1 of 4 stars; one submission).

Conditions:
Hereditary cancer-predisposing syndrome. Also called: Hereditary Cancer Syndrome; Hereditary neoplastic syndrome; Tumor predisposition; Neoplastic Syndromes, Hereditary. Identifiers: Orphanet 140162, MedGen C0027672, MeSH D009386, MONDO:0015356.
Cardiovascular phenotype. Identifiers: MedGen CN230736.

Submission:

Ambry Genetics
Classification: Uncertain significance for Cardiovascular phenotype; Hereditary cancer-predisposing syndrome. Last evaluated: 2024-07-02. Review status: criteria provided, single submitter. Criteria: Ambry Variant Classification Scheme 2023. Collection method: clinical testing. Allele origin: germline.
Comment: The c.189C>T variant (also known as p.F63F), located in coding exon 1 of the LZTR1 gene, results from a C to T substitution at nucleotide position 189. This nucleotide substitution does not change the phenylalanine at codon 63. This nucleotide position is not well conserved in available vertebrate species. In silico splice site analysis predicts that this alteration may result in the creation or strengthening of a novel splice donor site. Based on the available evidence, the clinical significance of this variant remains unclear.